The following is an entry in ClinVar:

ClinVar aggregate classification (germline): Uncertain significance (1 of 4 stars; one submission).

Submission:

Labcorp Genetics (formerly Invitae), Labcorp
Classification: Uncertain significance. Last evaluated: 2023-11-27. Review status: criteria provided, single submitter. Criteria: Invitae Variant Classification Sherloc (09022015). Collection method: clinical testing. Allele origin: germline.
Comment: This sequence change replaces serine, which is neutral and polar, with phenylalanine, which is neutral and non-polar, at codon 220 of the PRPF4 protein (p.Ser220Phe). This variant is not present in population databases (gnomAD no frequency). This variant has not been reported in the literature in individuals affected with PRPF4-related conditions. ClinVar contains an entry for this variant (Variation ID: 1997997). An algorithm developed to predict the effect of missense changes on protein structure and function (PolyPhen-2) suggests that this variant is likely to be tolerated. In summary, the available evidence is currently insufficient to determine the role of this variant in disease. Therefore, it has been classified as a Variant of Uncertain Significance.

NM_001244926.2(PRPF4):c.656C>T (p.Ser219Phe)

Gene: PRPF4 (pre-mRNA splicing tri-snRNP complex factor PRPF4; plus strand). Cytogenetic location: 9q32.
Variant type: single nucleotide variant.
Coding change: c.656C>T on transcript NM_001244926.2 (MANE Select); coding-DNA position 656, C replaced by T.
Protein change: p.Ser219Phe; replaces serine 219 with phenylalanine.
Molecular consequence: missense variant. On other transcripts: 5 prime UTR variant (2), non-coding transcript variant (2).
Genome position (GRCh38, 1-based): chr9:113,284,296, C>T. VCF-style: chr9-113284296-C-T. GRCh37 (hg19) VCF-style: chr9-116046576-C-T.
Other names: c.-110C>T (NM_001322266.2, NM_001322267.2); c.659C>T, p.Ser220Phe (NM_004697.5); short protein forms S220F, S219F.
Identifiers: ClinVar variation 1997997 (VCV001997997.4), dbSNP rs2490815348, ClinGen allele CA374553542.